The following is an entry in ClinVar:

NM_001374504.1(TMPRSS6):c.362G>A (p.Arg121His)

Gene: TMPRSS6 (transmembrane serine protease 6; minus strand). Cytogenetic location: 22q12.3.
Variant type: single nucleotide variant.
Coding change: c.362G>A on transcript NM_001374504.1 (MANE Select); coding-DNA position 362, G replaced by A.
Protein change: p.Arg121His; replaces arginine 121 with histidine.
Molecular consequence: missense variant.
Genome position (GRCh38, 1-based): chr22:37,096,690, C>T on the plus strand (G>A on the coding strand, the complement: TMPRSS6 is on the minus strand). VCF-style: chr22-37096690-C-T. GRCh37 (hg19) VCF-style: chr22-37492730-C-T.
Other names: p.Arg130His; c.362G>A, p.Arg121His (NM_001289000.2, NM_001289001.2, NM_153609.4); c.389G>A (NM_153609.2, NM_153609.3); short protein forms R121H.
Identifiers: ClinVar variation 1049250 (VCV001049250.4), dbSNP rs142400865, ClinGen allele CA10216096.

ClinVar aggregate classification (germline): Uncertain significance. Review status: criteria provided, multiple submitters, no conflicts (2 of 4 stars). 4 submissions from 4 submitters: Uncertain significance (2). 2 of the submissions do not count toward it. Last evaluated 2024-03-15.

Conditions:
Inborn genetic diseases. Identifiers: MedGen C0950123, MeSH D030342.
TMPRSS6-related disorder. Also called: TMPRSS6-related condition.

Allele frequency attached by ClinVar (database versions not stated): gnomAD exomes 0.00023; 1000 Genomes Project 30x 0.00047; 1000 Genomes Project 0.00060; ESP Exome Variant Server 0.00085; gnomAD 0.00107 and 0.00117; TOPMed 0.00110.
gnomAD v4.1: 317 of 1,566,666 alleles (0.02%); highest among the groups gnomAD compares: African/African-American, 0.38%; 1 homozygote.

Submissions (4):

Ambry Genetics
Classification: Uncertain significance for Inborn genetic diseases. Last evaluated: 2024-03-15. Review status: criteria provided, single submitter. Criteria: Ambry Variant Classification Scheme 2023. Collection method: clinical testing. Allele origin: germline.

Mayo Clinic Laboratories, Mayo Clinic
Classification: Uncertain significance. Last evaluated: 2023-09-13. Review status: criteria provided, single submitter. Criteria: ACMG Guidelines, 2015. Collection method: clinical testing. Allele origin: germline. Observed: 1 variant allele.
Comment: BP4

PreventionGenetics, part of Exact Sciences
Classification: Likely benign for TMPRSS6-related condition. Last evaluated: 2024-06-16. Review status: no assertion criteria provided. Collection method: clinical testing. Allele origin: germline. Not counted in ClinVar's aggregate classification.
Comment: This variant is classified as likely benign based on ACMG/AMP sequence variant interpretation guidelines (Richards et al. 2015 PMID: 25741868, with internal and published modifications).

Department of Pathology and Laboratory Medicine, Sinai Health System
Classification: Uncertain significance. Review status: no assertion criteria provided. Collection method: clinical testing. Allele origin: unknown. Affected: yes. Study: The Canadian Open Genetics Repository (COGR). Not counted in ClinVar's aggregate classification.
Comment: The TMPRSS6 p.Arg121His variant was not identified in the literature nor was it identified in ClinVar. The variant was identified in dbSNP (ID: rs142400865) and LOVD 3.0 (variant effect not shared). The variant was identified in control databases in 84 of 208412 chromosomes at a frequency of 0.000403 (Genome Aggregation Database March 6, 2019, v2.1.1). The variant was observed in the following populations: African in 78 of 19202 chromosomes (freq: 0.004062), Latino in 3 of 27464 chromosomes (freq: 0.000109) and European (non-Finnish) in 3 of 88030 chromosomes (freq: 0.000034), but was not observed in the Ashkenazi Jewish, East Asian, European (Finnish), Other, or South Asian populations. The p.Arg121 residue is not conserved in mammals and computational analyses (PolyPhen-2, SIFT, AlignGVGD, BLOSUM, MutationTaster) do not suggest a high likelihood of impact to the protein; however, this information is not predictive enough to rule out pathogenicity. The variant occurs outside of the splicing consensus sequence and in silico or computational prediction software programs (SpliceSiteFinder, MaxEntScan, NNSPLICE, GeneSplicer) do not predict a difference in splicing. In summary, based on the above information the clinical significance of this variant cannot be determined with certainty at this time. This variant is classified as a variant of uncertain significance.